The following is an entry in ClinVar:

NM_007194.4(CHEK2):c.148A>G (p.Ser50Gly)

Gene: CHEK2 (checkpoint kinase 2; minus strand). Cytogenetic location: 22q12.1.
Variant type: single nucleotide variant.
Coding change: c.148A>G on transcript NM_007194.4 (MANE Select); coding-DNA position 148, A replaced by G.
Protein change: p.Ser50Gly; replaces serine 50 with glycine.
Molecular consequence: missense variant.
Genome position (GRCh38, 1-based): chr22:28,734,574, T>C on the plus strand (A>G on the coding strand, the complement: CHEK2 is on the minus strand). VCF-style: chr22-28734574-T-C. GRCh37 (hg19) VCF-style: chr22-29130562-T-C.
Other names: c.148A>G, p.Ser50Gly (NM_001005735.3, NM_001349956.3, NM_145862.3); c.-630A>G (NM_001257387.3); short protein forms S50G.
Identifiers: ClinVar variation 2586659 (VCV002586659.2), dbSNP rs1569171013, ClinGen allele CA411091033.
Genomic context (GRCh38, chr22:28,734,574, plus strand): 5'-CCTGAGTGGACACTGTCTCTAAGGAGCTCAGTGTCCCAGAGCTGGAGTGAGAGGACTGGC[T>C]GGAGTTTGGCATCGTGCTGGTAGAGGAGCTGGATATGCCCTGGGACTGTGAGGAGGAGCC-3'
Protein context (NP_009125.1, residues 40-60): SSSTSTMPNS[Ser50Gly]QSSHSSSGTL

ClinVar aggregate classification (germline): Uncertain significance (1 of 4 stars; one submission).

Conditions:
Hereditary cancer-predisposing syndrome. Also called: Hereditary neoplastic syndrome; Tumor predisposition; Hereditary Cancer Syndrome; Neoplastic Syndromes, Hereditary. Identifiers: Orphanet 140162, MedGen C0027672, MeSH D009386, MONDO:0015356.

Submission:

Ambry Genetics
Classification: Uncertain significance for Hereditary cancer-predisposing syndrome. Last evaluated: 2023-08-28. Review status: criteria provided, single submitter. Criteria: Ambry Variant Classification Scheme 2023. Collection method: clinical testing. Allele origin: germline.
Comment: The p.S50G variant (also known as c.148A>G), located in coding exon 1 of the CHEK2 gene, results from an A to G substitution at nucleotide position 148. The serine at codon 50 is replaced by glycine, an amino acid with similar properties. This amino acid position is conserved. In addition, the in silico prediction for this alteration is inconclusive. Since supporting evidence is limited at this time, the clinical significance of this alteration remains unclear.